The following is an entry in ClinVar:

ClinVar aggregate classification (germline): Uncertain significance. Review status: criteria provided, multiple submitters, no conflicts (2 of 4 stars). 2 submissions from 2 submitters: Uncertain significance (2). Last evaluated 2026-02-18.

Submissions (2):

GeneDx
Classification: Uncertain significance. Last evaluated: 2026-02-18. Review status: criteria provided, single submitter. Criteria: GeneDx Variant Classification Process June 2021. Collection method: clinical testing. Allele origin: germline.
Comment: Not observed at significant frequency in large population cohorts (gnomAD); In silico analysis supports that this missense variant has a deleterious effect on protein structure/function; Has not been previously published as pathogenic or benign to our knowledge

CeGaT Center for Human Genetics Tuebingen
Classification: Uncertain significance. Last evaluated: 2024-11-01. Review status: criteria provided, single submitter. Criteria: CeGaT Center For Human Genetics Tuebingen Variant Classification Criteria Version 2. Collection method: clinical testing. Allele origin: germline. Affected: yes. Observed: 1 variant allele.
Comment: DNAH11: PM2, PM3:Supporting

NM_001277115.2(DNAH11):c.13448C>T (p.Thr4483Ile)

Genes: CDCA7L (cell division cycle associated 7 like; minus strand), DNAH11 (dynein axonemal heavy chain 11; plus strand). Cytogenetic location: 7p15.3.
Variant type: single nucleotide variant.
Coding change: c.13448C>T on transcript NM_001277115.2 (MANE Select); coding-DNA position 13448, C replaced by T.
Protein change: p.Thr4483Ile; replaces threonine 4483 with isoleucine.
Molecular consequence: missense variant. On other transcripts: 3 prime UTR variant (3).
Genome position (GRCh38, 1-based): chr7:21,901,151, C>T. VCF-style: chr7-21901151-C-T. GRCh37 (hg19) VCF-style: chr7-21940769-C-T.
Other names: c.*1171G>A (NM_001127370.3, NM_001127371.3, NM_018719.5); short protein forms T4483I.
Identifiers: ClinVar variation 3388933 (VCV003388933.15).